The following is an entry in ClinVar:

NM_033380.3(COL4A5):c.926C>G (p.Pro309Arg)

Gene: COL4A5 (collagen type IV alpha 5 chain; plus strand). Cytogenetic location: Xq22.3.
Variant type: single nucleotide variant.
Coding change: c.926C>G on transcript NM_033380.3 (MANE Select); coding-DNA position 926, C replaced by G.
Protein change: p.Pro309Arg; replaces proline 309 with arginine.
Molecular consequence: missense variant.
Genome position (GRCh38, 1-based): chrX:108,581,017, C>G. VCF-style: chrX-108581017-C-G. GRCh37 (hg19) VCF-style: chrX-107824247-C-G.
Other names: c.926C>G, p.Pro309Arg (NM_000495.5); short protein forms P309R.
Identifiers: ClinVar variation 2414658 (VCV002414658.4), dbSNP rs778279260, ClinGen allele CA10488621.

ClinVar aggregate classification (germline): Uncertain significance. Review status: criteria provided, multiple submitters, no conflicts (2 of 4 stars). 2 submissions from 2 submitters: Uncertain significance (2). Last evaluated 2024-02-19.

Conditions:
X-linked Alport syndrome (ATS1). Also called: NEPHROPATHY AND DEAFNESS, X-LINKED; COL4A5-Related Nephropathy. Identifiers: Orphanet 63, Orphanet 88917, MedGen C4746986, MONDO:0010520, OMIM 301050.

Allele frequency attached by ClinVar (database versions not stated): gnomAD exomes below 0.00001; ExAC 0.00001; TOPMed 0.00001.

Submissions (2):

Fulgent Genetics
Classification: Uncertain significance for X-linked Alport syndrome. Last evaluated: 2024-02-19. Review status: criteria provided, single submitter. Criteria: ACMG Guidelines, 2015. Collection method: clinical testing. Allele origin: germline.

Labcorp Genetics (formerly Invitae), Labcorp
Classification: Uncertain significance. Last evaluated: 2021-07-18. Review status: criteria provided, single submitter. Criteria: Invitae Variant Classification Sherloc (09022015). Collection method: clinical testing. Allele origin: germline.
Comment: This sequence change replaces proline with arginine at codon 309 of the COL4A5 protein (p.Pro309Arg). The proline residue is highly conserved and there is a moderate physicochemical difference between proline and arginine. This variant is present in population databases (rs778279260, ExAC 0.002%). This variant has not been reported in the literature in individuals affected with COL4A5-related conditions. Advanced modeling of protein sequence and biophysical properties (such as structural, functional, and spatial information, amino acid conservation, physicochemical variation, residue mobility, and thermodynamic stability) performed at Invitae indicates that this missense variant is not expected to disrupt COL4A5 protein function. In summary, the available evidence is currently insufficient to determine the role of this variant in disease. Therefore, it has been classified as a Variant of Uncertain Significance.